The following is an entry in ClinVar:

NM_013266.4(CTNNA3):c.1291C>G (p.Leu431Val)

Gene: CTNNA3 (catenin alpha 3; minus strand). Cytogenetic location: 10q21.3.
Variant type: single nucleotide variant.
Coding change: c.1291C>G on transcript NM_013266.4 (MANE Select); coding-DNA position 1291, C replaced by G.
Protein change: p.Leu431Val; replaces leucine 431 with valine.
Molecular consequence: missense variant.
Genome position (GRCh38, 1-based): chr10:66,621,775, G>C on the plus strand (C>G on the coding strand, the complement: CTNNA3 is on the minus strand). VCF-style: chr10-66621775-G-C. GRCh37 (hg19) VCF-style: chr10-68381533-G-C.
Other names: c.1291C>G, p.Leu431Val (NM_001127384.3); short protein forms L431V.
Identifiers: ClinVar variation 2128778 (VCV002128778.4), dbSNP rs1391220282, ClinGen allele CA377091727.
Genomic context (GRCh38, chr10:66,621,775, plus strand): 5'-GATTGGCTGCAATTTTGACAATTTTAATTCCATCTTCATTTGTTGACATGGAACAAGCAA[G>C]ATTTGCCACCTTAAATACAATCCAAAATAATGGAAATTATTTTAGATTAGCAAGGAAATG-3'
Protein context (NP_037398.2, residues 421-441): HTSRLVEVAN[Leu431Val]ACSMSTNEDG

ClinVar aggregate classification (germline): Uncertain significance (1 of 4 stars; one submission).

Conditions:
Arrhythmogenic right ventricular dysplasia 13. Also called: ARRHYTHMOGENIC RIGHT VENTRICULAR CARDIOMYOPATHY 13; Arrhythmogenic right ventricular dysplasia, familial, 13. Identifiers: MedGen C3810138, MONDO:0000908, OMIM 615616.

Submission:

Labcorp Genetics (formerly Invitae), Labcorp
Classification: Uncertain significance for Arrhythmogenic right ventricular dysplasia 13. Last evaluated: 2022-04-21. Review status: criteria provided, single submitter. Criteria: Invitae Variant Classification Sherloc (09022015). Collection method: clinical testing. Allele origin: germline.
Comment: In summary, the available evidence is currently insufficient to determine the role of this variant in disease. Therefore, it has been classified as a Variant of Uncertain Significance. Algorithms developed to predict the effect of missense changes on protein structure and function are either unavailable or do not agree on the potential impact of this missense change (SIFT: "Deleterious"; PolyPhen-2: "Benign"; Align-GVGD: "Class C0"). This variant has not been reported in the literature in individuals affected with CTNNA3-related conditions. This variant is not present in population databases (gnomAD no frequency). This sequence change replaces leucine, which is neutral and non-polar, with valine, which is neutral and non-polar, at codon 431 of the CTNNA3 protein (p.Leu431Val).